The following is an entry in ClinVar:

NM_152703.5(SAMD9L):c.4310A>G (p.Glu1437Gly)

Gene: SAMD9L (sterile alpha motif domain containing 9 like; minus strand). Cytogenetic location: 7q21.2.
Variant type: single nucleotide variant.
Coding change: c.4310A>G on transcript NM_152703.5 (MANE Select); coding-DNA position 4310, A replaced by G.
Protein change: p.Glu1437Gly; replaces glutamic acid 1437 with glycine.
Molecular consequence: missense variant.
Genome position (GRCh38, 1-based): chr7:93,131,662, T>C on the plus strand (A>G on the coding strand, the complement: SAMD9L is on the minus strand). VCF-style: chr7-93131662-T-C. GRCh37 (hg19) VCF-style: chr7-92760975-T-C.
Other names: c.4310A>G, p.Glu1437Gly (NM_001303496.3, NM_001303497.3, NM_001303498.3 and 5 more transcripts); short protein forms E1437G.
Identifiers: ClinVar variation 4864030 (VCV004864030.1).

ClinVar aggregate classification (germline): Uncertain significance (1 of 4 stars; one submission).

Conditions:
Inborn genetic diseases. Identifiers: MedGen C0950123, MeSH D030342.

gnomAD v4.1: 1 of 1,613,798 alleles (0.000062%); highest among the groups gnomAD compares: African/African-American, 0.0013%; no homozygotes.

Submission:

Ambry Genetics
Classification: Uncertain significance for Inborn genetic diseases. Last evaluated: 2026-06-08. Review status: criteria provided, single submitter. Criteria: Ambry Variant Classification Scheme 2023. Collection method: clinical testing. Allele origin: germline.
Comment: The p.E1437G variant (also known as c.4310A>G), located in coding exon 1 of the SAMD9L gene, results from an A to G substitution at nucleotide position 4310. The glutamic acid at codon 1437 is replaced by glycine, an amino acid with similar properties. This amino acid position is conserved. In addition, this alteration is predicted to be tolerated by in silico analysis. Based on the available evidence, the clinical significance of this variant remains unclear.